The following is an entry in ClinVar:

NM_015378.4(VPS13D):c.12095C>A (p.Pro4032Gln)

Gene: VPS13D (vacuolar protein sorting 13 homolog D; plus strand). Cytogenetic location: 1p36.22.
Variant type: single nucleotide variant.
Coding change: c.12095C>A on transcript NM_015378.4 (MANE Select); coding-DNA position 12095, C replaced by A.
Protein change: p.Pro4032Gln; replaces proline 4032 with glutamine.
Molecular consequence: missense variant.
Genome position (GRCh38, 1-based): chr1:12,415,151, C>A. VCF-style: chr1-12415151-C-A. GRCh37 (hg19) VCF-style: chr1-12475204-C-A.
Other names: c.12020C>A, p.Pro4007Gln (NM_018156.4); short protein forms P4032Q, P4007Q.
Identifiers: ClinVar variation 1478504 (VCV001478504.6), dbSNP rs2100229888, ClinGen allele CA338488650.

ClinVar aggregate classification (germline): Uncertain significance (1 of 4 stars; one submission).

Allele frequency attached by ClinVar (database versions not stated): gnomAD exomes 0.00001.
gnomAD v4.1: 4 of 1,613,964 alleles (0.00025%); no homozygotes.

Submission:

Labcorp Genetics (formerly Invitae), Labcorp
Classification: Uncertain significance. Last evaluated: 2021-09-06. Review status: criteria provided, single submitter. Criteria: Invitae Variant Classification Sherloc (09022015). Collection method: clinical testing. Allele origin: germline.
Comment: This variant has not been reported in the literature in individuals affected with VPS13D-related conditions. In summary, the available evidence is currently insufficient to determine the role of this variant in disease. Therefore, it has been classified as a Variant of Uncertain Significance. Algorithms developed to predict the effect of missense changes on protein structure and function are either unavailable or do not agree on the potential impact of this missense change (SIFT: "Not Available"; PolyPhen-2: "Probably Damaging"; Align-GVGD: "Not Available"). This variant is not present in population databases (ExAC no frequency). This sequence change replaces proline with glutamine at codon 4032 of the VPS13D protein (p.Pro4032Gln). The proline residue is moderately conserved and there is a moderate physicochemical difference between proline and glutamine.